The following is an entry in ClinVar:

ClinVar aggregate classification (germline): Conflicting classifications of pathogenicity. Review status: criteria provided, conflicting classifications (1 of 4 stars). 4 submissions from 4 submitters: Uncertain significance (3); Likely benign (1). Last evaluated 2025-12-01.

Conditions:
Inborn genetic diseases. Identifiers: MedGen C0950123, MeSH D030342.
Van den Ende-Gupta syndrome (VDEGS). Also called: BLEPHAROPHIMOSIS, ARACHNODACTYLY, AND CONGENITAL CONTRACTURES. Identifiers: Orphanet 2460, MedGen C1833136, MONDO:0010959, OMIM 600920.

Allele frequency attached by ClinVar (database versions not stated): gnomAD exomes 0.00003; gnomAD 0.00005 and 0.00006; TOPMed 0.00008.
gnomAD v4.1: 86 of 1,545,386 alleles (0.0056%); highest among the groups gnomAD compares: African/African-American, 0.06%; 2 homozygotes.

Submissions (4):

CeGaT Center for Human Genetics Tuebingen
Classification: Likely benign. Last evaluated: 2025-12-01. Review status: criteria provided, single submitter. Criteria: CeGaT Center For Human Genetics Tuebingen Variant Classification Criteria Version 2. Collection method: clinical testing. Allele origin: germline. Affected: yes. Observed: 2 variant alleles.
Comment: SCARF2: BS2

Ambry Genetics
Classification: Uncertain significance for Inborn genetic diseases. Last evaluated: 2024-07-05. Review status: criteria provided, single submitter. Criteria: Ambry Variant Classification Scheme 2023. Collection method: clinical testing. Allele origin: germline.

Genetic Services Laboratory, University of Chicago
Classification: Uncertain significance. Last evaluated: 2021-12-10. Review status: criteria provided, single submitter. Criteria: ACMG Guidelines, 2015. Collection method: clinical testing. Allele origin: germline. Affected: no.
Comment: DNA sequence analysis of the SCARF2 gene demonstrated a sequence change, c.1922C>T, in exon 11 and results in an amino acid change, p.Ala641Val. This sequence change does not appear to have been previously described in individuals with SCARF2-related disorders. This sequence change has been described in the gnomAD database with a frequency of 0.01% in the Ashkenazi Jewish subpopulation (dbSNP rs984158225). The p.Ala641Val change affects a poorly conserved amino acid residue located in a domain of the SCARF2 protein that is not known to be functional. The p.Ala641Val substitution appears to be benign using several in-silico pathogenicity prediction tools (SIFT, Align GVGD, REVEL). Due to insufficient evidences and the lack of functional studies, the clinical significance of the p.Ala641Val change remains unknown at this time.

Baylor Genetics
Classification: Uncertain significance for Van den Ende-Gupta syndrome. Last evaluated: 2019-11-25. Review status: criteria provided, single submitter. Criteria: ACMG Guidelines, 2015. Collection method: clinical testing. Allele origin: unknown. Affected: yes.
Comment: This variant was determined to be of uncertain significance according to ACMG Guidelines, 2015 [PMID:25741868].

NM_182895.5(SCARF2):c.1907C>T (p.Ala636Val)

Gene: SCARF2 (scavenger receptor class F member 2; minus strand). Cytogenetic location: 22q11.21.
Variant type: single nucleotide variant.
Coding change: c.1907C>T on transcript NM_182895.5 (MANE Select); coding-DNA position 1907, C replaced by T.
Protein change: p.Ala636Val; replaces alanine 636 with valine.
Molecular consequence: missense variant.
Genome position (GRCh38, 1-based): chr22:20,426,069, G>A on the plus strand (C>T on the coding strand, the complement: SCARF2 is on the minus strand). VCF-style: chr22-20426069-G-A. GRCh37 (hg19) VCF-style: chr22-20780356-G-A.
Other names: c.1922C>T, p.Ala641Val (NM_153334.7); short protein forms A636V, A641V.
Identifiers: ClinVar variation 1029235 (VCV001029235.16), dbSNP rs984158225, ClinGen allele CA322182653.